The following is an entry in ClinVar:

ClinVar aggregate classification (germline): Conflicting classifications of pathogenicity. Review status: criteria provided, conflicting classifications (1 of 4 stars). 2 submissions from 2 submitters: Uncertain significance (1); Likely benign (1). Last evaluated 2025-11-26.

Conditions:
NEB-related disorder. Also called: NEB-Related Disorders; NEB-related condition.

Submissions (2):

GeneDx
Classification: Likely benign. Last evaluated: 2025-11-26. Review status: criteria provided, single submitter. Criteria: GeneDx Variant Classification Process June 2021. Collection method: clinical testing. Allele origin: germline. Affected: yes.
Comment: See Variant Classification Assertion Criteria.

PreventionGenetics, part of Exact Sciences
Classification: Uncertain significance for NEB-related condition. Last evaluated: 2025-09-30. Review status: criteria provided, single submitter. Criteria: ACMG Guidelines, 2015. Collection method: clinical testing. Allele origin: germline.
Comment: The NEB c.13411T>A variant is predicted to result in the amino acid substitution p.Tyr4471Asn. To our knowledge, this variant has not been reported in the literature or in a large population database (gnomAD), indicating this variant is rare. At this time, the clinical significance of this variant is uncertain due to the absence of conclusive functional and genetic evidence.

NM_001164508.2(NEB):c.13411T>A (p.Tyr4471Asn)

Gene: NEB (nebulin; minus strand). Cytogenetic location: 2q23.3.
Variant type: single nucleotide variant.
Coding change: c.13411T>A on transcript NM_001164508.2 (MANE Select); coding-DNA position 13411, T replaced by A.
Protein change: p.Tyr4471Asn; replaces tyrosine 4471 with asparagine.
Molecular consequence: missense variant. On other transcripts: intron variant (1).
Genome position (GRCh38, 1-based): chr2:151,601,966, A>T on the plus strand (T>A on the coding strand, the complement: NEB is on the minus strand). VCF-style: chr2-151601966-A-T. GRCh37 (hg19) VCF-style: chr2-152458480-A-T.
Other names: c.13411T>A, p.Tyr4471Asn (NM_001164507.2, NM_001271208.2); c.11601+7843T>A (NM_004543.5); short protein forms Y4471N.
Identifiers: ClinVar variation 383738 (VCV000383738.5), dbSNP rs1057521720, ClinGen allele CA16603875.